The following is an entry in ClinVar:

NM_003850.3(SUCLA2):c.15G>A (p.Met5Ile)

Gene: SUCLA2 (succinate-CoA ligase ADP-forming subunit beta; minus strand). Cytogenetic location: 13q14.2.
Variant type: single nucleotide variant.
Coding change: c.15G>A on transcript NM_003850.3 (MANE Select); coding-DNA position 15, G replaced by A.
Protein change: p.Met5Ile; replaces methionine 5 with isoleucine.
Molecular consequence: missense variant.
Genome position (GRCh38, 1-based): chr13:48,001,255, C>T on the plus strand (G>A on the coding strand, the complement: SUCLA2 is on the minus strand). VCF-style: chr13-48001255-C-T. GRCh37 (hg19) VCF-style: chr13-48575391-C-T.
Other names: short protein forms M5I.
Identifiers: ClinVar variation 1506628 (VCV001506628.5), dbSNP rs199738859, ClinGen allele CA313008.

ClinVar aggregate classification (germline): Uncertain significance. Review status: criteria provided, multiple submitters, no conflicts (2 of 4 stars). 2 submissions from 2 submitters: Uncertain significance (2). Last evaluated 2025-09-01.

Conditions:
Inborn genetic diseases. Identifiers: MedGen C0950123, MeSH D030342.
Mitochondrial DNA depletion syndrome, encephalomyopathic form with methylmalonic aciduria (MTDPS5). Also called: SUCLA2-Related Mitochondrial DNA Depletion Syndrome, Encephalomyopathic Form with Methylmalonic Aciduria; MITOCHONDRIAL DNA DEPLETION SYNDROME, ENCEPHALOMYOPATHIC FORM, WITH OR WITHOUT METHYLMALONIC ACIDURIA, AUTOSOMAL RECESSIVE, SUCLA2-RELATED; Mitochondrial DNA depletion syndrome 5 (encephalomyopathic with or without methylmalonic aciduria); Mitochondrial encephalomyopathy aminoacidopathy. Identifiers: Orphanet 1933, MedGen C5980207, MONDO:0012791, OMIM 612073.

Allele frequency attached by ClinVar (database versions not stated): gnomAD exomes 0.00003 and 0.00005; TOPMed 0.00005; ExAC 0.00006; gnomAD 0.00010 and 0.00011.
gnomAD v4.1: 55 of 1,603,784 alleles (0.0034%); highest among the groups gnomAD compares: African/African-American, 0.008%; no homozygotes.

Submissions (2):

Ambry Genetics
Classification: Uncertain significance for Inborn genetic diseases. Last evaluated: 2025-09-01. Review status: criteria provided, single submitter. Criteria: Ambry Variant Classification Scheme 2023. Collection method: clinical testing. Allele origin: germline.

Labcorp Genetics (formerly Invitae), Labcorp
Classification: Uncertain significance for Mitochondrial DNA depletion syndrome, encephalomyopathic form with methylmalonic aciduria. Last evaluated: 2022-10-13. Review status: criteria provided, single submitter. Criteria: Invitae Variant Classification Sherloc (09022015). Collection method: clinical testing. Allele origin: germline.
Comment: This sequence change replaces methionine, which is neutral and non-polar, with isoleucine, which is neutral and non-polar, at codon 5 of the SUCLA2 protein (p.Met5Ile). This variant is present in population databases (rs199738859, gnomAD 0.01%). This variant has not been reported in the literature in individuals affected with SUCLA2-related conditions. ClinVar contains an entry for this variant (Variation ID: 1506628). Algorithms developed to predict the effect of missense changes on protein structure and function output the following: SIFT: "Tolerated"; PolyPhen-2: "Benign"; Align-GVGD: "Class C0". The isoleucine amino acid residue is found in multiple mammalian species, which suggests that this missense change does not adversely affect protein function. In summary, the available evidence is currently insufficient to determine the role of this variant in disease. Therefore, it has been classified as a Variant of Uncertain Significance.